The following is an entry in ClinVar:

ClinVar aggregate classification (germline): Uncertain significance (1 of 4 stars; one submission).

Conditions:
Cardiovascular phenotype. Identifiers: MedGen CN230736.

gnomAD v4.1: 5 of 1,609,852 alleles (0.00031%); highest among the groups gnomAD compares: Admixed American, 0.0084%; no homozygotes.

Submission:

Ambry Genetics
Classification: Uncertain significance for Cardiovascular phenotype. Last evaluated: 2024-10-08. Review status: criteria provided, single submitter. Criteria: Ambry Variant Classification Scheme 2023. Collection method: clinical testing. Allele origin: germline.
Comment: The p.Q264R variant (also known as c.791A>G), located in coding exon 9 of the LDLRAP1 gene, results from an A to G substitution at nucleotide position 791. The glutamine at codon 264 is replaced by arginine, an amino acid with highly similar properties. This amino acid position is conserved. In addition, this alteration is predicted to be tolerated by in silico analysis. Based on the available evidence, the clinical significance of this variant remains unclear.

NM_015627.3(LDLRAP1):c.791A>G (p.Gln264Arg)

Gene: LDLRAP1 (low density lipoprotein receptor adaptor protein 1; plus strand). Cytogenetic location: 1p36.11.
Variant type: single nucleotide variant.
Coding change: c.791A>G on transcript NM_015627.3 (MANE Select); coding-DNA position 791, A replaced by G.
Protein change: p.Gln264Arg; replaces glutamine 264 with arginine.
Molecular consequence: missense variant.
Genome position (GRCh38, 1-based): chr1:25,566,856, A>G. VCF-style: chr1-25566856-A-G. GRCh37 (hg19) VCF-style: chr1-25893347-A-G.
Other names: short protein forms Q264R.
Identifiers: ClinVar variation 3537770 (VCV003537770.1).
Genomic context (GRCh38, chr1:25,566,856, plus strand): 5'-GGGCGCGCCAGCCCTCACCCAGGCTCTCGGCTCACACAGCTCTGCCTTCCAGGCTTGCCC[A>G]GTCTCGGACAAACCCTCAGGTCCTGGACACTGGCCTGACAGCCCAGGACATGCATTACGC-3'
Protein context (NP_056442.2, residues 254-274): GLDEAFSRLA[Gln264Arg]SRTNPQVLDT